The following is an entry in ClinVar:

ClinVar aggregate classification (germline): Conflicting classifications of pathogenicity. Review status: criteria provided, conflicting classifications (1 of 4 stars). 5 submissions from 5 submitters: Uncertain significance (1); Likely benign (3). 1 of the submissions does not count toward it. Last evaluated 2025-11-28.

Conditions:
KIF7-related disorder. Also called: KIF7-related condition.
Acrocallosal syndrome (ACLS). Also called: HALLUX DUPLICATION, POSTAXIAL POLYDACTYLY, AND ABSENCE OF CORPUS CALLOSUM; Schinzel syndrome 1; Absence of corpus callosum with unusual facial appearance, mental deficiency, duplication of the halluces and polydactyly. Identifiers: Orphanet 36, MedGen C0796147, MONDO:0008708, OMIM 200990.

Allele frequency attached by ClinVar (database versions not stated): gnomAD 0.00003 and 0.00004; gnomAD exomes 0.00008; TOPMed 0.00009.
gnomAD v4.1: 11 of 1,214,262 alleles (0.00091%); highest among the groups gnomAD compares: Admixed American, 0.036%; no homozygotes.

Submissions (5):

Labcorp Genetics (formerly Invitae), Labcorp
Classification: Likely benign for Acrocallosal syndrome. Last evaluated: 2025-11-28. Review status: criteria provided, single submitter. Criteria: Invitae Variant Classification Sherloc (09022015). Collection method: clinical testing. Allele origin: germline.

Blueprint Genetics
Classification: Likely benign. Last evaluated: 2024-09-23. Review status: criteria provided, single submitter. Criteria: ACMG Guidelines, 2015. Collection method: clinical testing. Allele origin: germline.

Revvity Omics, Revvity
Classification: Uncertain significance. Last evaluated: 2021-05-03. Review status: criteria provided, single submitter. Criteria: ACMG Guidelines, 2015. Collection method: clinical testing. Allele origin: germline.

GeneDx
Classification: Likely benign. Last evaluated: 2019-08-12. Review status: criteria provided, single submitter. Criteria: GeneDx Variant Classification Process June 2021. Collection method: clinical testing. Allele origin: germline. Affected: yes.

PreventionGenetics, part of Exact Sciences
Classification: Likely benign for KIF7-related condition. Last evaluated: 2021-01-05. Review status: no assertion criteria provided. Collection method: clinical testing. Allele origin: germline. Not counted in ClinVar's aggregate classification.
Comment: This variant is classified as likely benign based on ACMG/AMP sequence variant interpretation guidelines (Richards et al. 2015 PMID: 25741868, with internal and published modifications).

NM_198525.3(KIF7):c.1164C>T (p.Gly388=)

Gene: KIF7 (kinesin family member 7; minus strand). Cytogenetic location: 15q26.1.
Variant type: single nucleotide variant.
Coding change: c.1164C>T on transcript NM_198525.3 (MANE Select); coding-DNA position 1164, C replaced by T.
Protein change: p.Gly388=; no amino-acid change (glycine 388 retained).
Molecular consequence: synonymous variant.
Genome position (GRCh38, 1-based): chr15:89,648,534, G>A on the plus strand (C>T on the coding strand, the complement: KIF7 is on the minus strand). VCF-style: chr15-89648534-G-A. GRCh37 (hg19) VCF-style: chr15-90191765-G-A.
Identifiers: ClinVar variation 582482 (VCV000582482.15), dbSNP rs975756878, ClinGen allele CA274582502.